The following is an entry in ClinVar:

ClinVar aggregate classification (germline): Likely pathogenic (1 of 4 stars; one submission).

Conditions:
Hearing impairment. Also called: Impaired Hearing. Identifiers: MedGen C1384666, MONDO:0005365, HP:0000365.

Submission:

Department of Otolaryngology – Head & Neck Surgery, Cochlear Implant Center
Classification: Likely pathogenic for Hearing impairment. Last evaluated: 2021-04-12. Review status: criteria provided, single submitter. Criteria: ClinGen HL ACMG Specifications v1. Collection method: clinical testing. Allele origin: germline. Affected: yes.
Comment: PM2_Moderate, PM3_Supporting, PM5_Strong, PP3_Supporting

NM_016239.4(MYO15A):c.9620G>T (p.Arg3207Leu)

Gene: MYO15A (myosin XVA; plus strand). Cytogenetic location: 17p11.2.
Variant type: single nucleotide variant.
Coding change: c.9620G>T on transcript NM_016239.4 (MANE Select); coding-DNA position 9620, G replaced by T.
Protein change: p.Arg3207Leu; replaces arginine 3207 with leucine.
Molecular consequence: missense variant.
Genome position (GRCh38, 1-based): chr17:18,163,251, G>T. VCF-style: chr17-18163251-G-T. GRCh37 (hg19) VCF-style: chr17-18066565-G-T.
Other names: short protein forms R3207L.
Identifiers: ClinVar variation 1064985 (VCV001064985.3), dbSNP rs199621031, ClinGen allele CA398638719.